The following is an entry in ClinVar:

NM_003587.5(DHX16):c.1125+1G>C

Gene: DHX16 (DEAH-box helicase 16; minus strand). Cytogenetic location: 6p21.33.
Variant type: single nucleotide variant.
Coding change: c.1125+1G>C on transcript NM_003587.5 (MANE Select); the canonical splice donor site of the intron after coding-DNA position 1125, G replaced by C.
Molecular consequence: splice donor variant.
Genome position (GRCh38, 1-based): chr6:30,665,070, C>G on the plus strand (G>C on the coding strand, the complement: DHX16 is on the minus strand). VCF-style: chr6-30665070-C-G. GRCh37 (hg19) VCF-style: chr6-30632847-C-G.
Other names: c.945+1G>C (NM_001164239.2); c.-995+1G>C (NM_001363515.2).
Identifiers: ClinVar variation 4529600 (VCV004529600.1).

ClinVar aggregate classification (germline): Uncertain significance (1 of 4 stars; one submission).

Submission:

GeneDx
Classification: Uncertain significance. Last evaluated: 2025-05-16. Review status: criteria provided, single submitter. Criteria: GeneDx Variant Classification Process June 2021. Collection method: clinical testing. Allele origin: germline. Affected: yes.
Comment: Not observed at significant frequency in large population cohorts (gnomAD); Canonical splice site variant with an unclear effect on protein function; Has not been previously published as pathogenic or benign to our knowledge